The following is an entry in ClinVar:

ClinVar aggregate classification (germline): Likely pathogenic (1 of 4 stars; one submission).

Conditions:
Hereditary cancer-predisposing syndrome. Also called: Neoplastic Syndromes, Hereditary; Hereditary Cancer Syndrome; Tumor predisposition; Hereditary neoplastic syndrome. Identifiers: Orphanet 140162, MedGen C0027672, MeSH D009386, MONDO:0015356.

Submission:

Labcorp Genetics (formerly Invitae), Labcorp
Classification: Likely pathogenic for Hereditary cancer-predisposing syndrome. Last evaluated: 2023-01-26. Review status: criteria provided, single submitter. Criteria: Invitae Variant Classification Sherloc (09022015). Collection method: clinical testing. Allele origin: germline.
Comment: In summary, the currently available evidence indicates that the variant is pathogenic, but additional data are needed to prove that conclusively. Therefore, this variant has been classified as Likely Pathogenic. This variant has not been reported in the literature in individuals affected with RAD50-related conditions. This variant results in a copy number gain of the genomic region encompassing exon(s) 22-24 of the RAD50 gene. While the exact position of this variant cannot be determined from the data, sub-genic copy number gains are generally in tandem (PMID: 25640679). This variant is predicted to be out-of-frame, and may result in an absent or disrupted protein product. Loss-of-function variants in RAD50 are known to be pathogenic (PMID: 19409520).

Literature cited by the submitters: PubMed 25640679; PubMed 19409520.

NC_000005.9:g.(?_131972797)_(131976507_?)dup

Genes: TH2-LCR (Th2 cytokine locus control region; plus strand), RAD50 (RAD50 double strand break repair protein; plus strand), TH2LCRR (T helper type 2 locus control region associated RNA; minus strand). Cytogenetic location: 5q31.1.
Variant type: Duplication.
Identifiers: ClinVar variation 584286 (VCV000584286.6).